The following is an entry in ClinVar:

NM_001029883.3(PCARE):c.1708G>A (p.Gly570Arg)

Gene: PCARE (photoreceptor cilium actin regulator; minus strand). Cytogenetic location: 2p23.2.
Variant type: single nucleotide variant.
Coding change: c.1708G>A on transcript NM_001029883.3 (MANE Select); coding-DNA position 1708, G replaced by A.
Protein change: p.Gly570Arg; replaces glycine 570 with arginine.
Molecular consequence: missense variant.
Genome position (GRCh38, 1-based): chr2:29,072,554, C>T on the plus strand (G>A on the coding strand, the complement: PCARE is on the minus strand). VCF-style: chr2-29072554-C-T. GRCh37 (hg19) VCF-style: chr2-29295420-C-T.
Other names: short protein forms G570R.
Identifiers: ClinVar variation 1470068 (VCV001470068.8), dbSNP rs1238171256, ClinGen allele CA346479074.

ClinVar aggregate classification (germline): Uncertain significance. Review status: criteria provided, multiple submitters, no conflicts (2 of 4 stars). 2 submissions from 2 submitters: Uncertain significance (2). Last evaluated 2023-12-11.

Allele frequency attached by ClinVar (database versions not stated): gnomAD exomes below 0.00001; TOPMed below 0.00001.
gnomAD v4.1: 9 of 1,603,200 alleles (0.00056%); highest among the groups gnomAD compares: Non-Finnish European, 0.00077%; no homozygotes.

Submissions (2):

Labcorp Genetics (formerly Invitae), Labcorp
Classification: Uncertain significance. Last evaluated: 2023-12-11. Review status: criteria provided, single submitter. Criteria: Invitae Variant Classification Sherloc (09022015). Collection method: clinical testing. Allele origin: germline.
Comment: This sequence change replaces glycine, which is neutral and non-polar, with arginine, which is basic and polar, at codon 570 of the PCARE protein (p.Gly570Arg). This variant is present in population databases (no rsID available, gnomAD 0.0009%). This variant has not been reported in the literature in individuals affected with PCARE-related conditions. ClinVar contains an entry for this variant (Variation ID: 1470068). Algorithms developed to predict the effect of missense changes on protein structure and function output the following: SIFT: "Not Available"; PolyPhen-2: "Benign"; Align-GVGD: "Not Available". The arginine amino acid residue is found in multiple mammalian species, which suggests that this missense change does not adversely affect protein function. In summary, the available evidence is currently insufficient to determine the role of this variant in disease. Therefore, it has been classified as a Variant of Uncertain Significance.

Blueprint Genetics
Classification: Uncertain significance. Last evaluated: 2019-07-23. Review status: criteria provided, single submitter. Criteria: ACMG Guidelines, 2015. Collection method: clinical testing. Allele origin: germline.